The following is an entry in ClinVar:

ClinVar aggregate classification (germline): Uncertain significance (1 of 4 stars; one submission).

gnomAD v4.1: 12 of 1,609,046 alleles (0.00075%); highest among the groups gnomAD compares: Non-Finnish European, 0.001%; no homozygotes.

Submission:

Labcorp Genetics (formerly Invitae), Labcorp
Classification: Uncertain significance. Last evaluated: 2024-06-28. Review status: criteria provided, single submitter. Criteria: Invitae Variant Classification Sherloc (09022015). Collection method: clinical testing. Allele origin: germline.
Comment: This sequence change falls in intron 5 of the TNFRSF9 gene. It does not directly change the encoded amino acid sequence of the TNFRSF9 protein. It affects a nucleotide within the consensus splice site. This variant is present in population databases (no rsID available, gnomAD 0.007%). This variant has not been reported in the literature in individuals affected with TNFRSF9-related conditions. Variants that disrupt the consensus splice site are a relatively common cause of aberrant splicing (PMID: 17576681, 9536098). Algorithms developed to predict the effect of sequence changes on RNA splicing suggest that this variant may disrupt the consensus splice site. In summary, the available evidence is currently insufficient to determine the role of this variant in disease. Therefore, it has been classified as a Variant of Uncertain Significance.

Literature cited by the submitters: PubMed 17576681; PubMed 9536098.

NM_001561.6(TNFRSF9):c.347-3A>G

Gene: TNFRSF9 (TNF receptor superfamily member 9; minus strand). Cytogenetic location: 1p36.23.
Variant type: single nucleotide variant.
Coding change: c.347-3A>G on transcript NM_001561.6 (MANE Select); 3 bases into the intron before coding-DNA position 347, A replaced by G.
Molecular consequence: intron variant.
Genome position (GRCh38, 1-based): chr1:7,937,759, T>C on the plus strand (A>G on the coding strand, the complement: TNFRSF9 is on the minus strand). VCF-style: chr1-7937759-T-C. GRCh37 (hg19) VCF-style: chr1-7997819-T-C.
Identifiers: ClinVar variation 3604913 (VCV003604913.2).
Genomic context (GRCh38, chr1:7,937,759, plus strand): 5'-GGTCGACAGATGCCACGTTTCTGATCGTTAAATGTCCCAAAGCAACAGTCTTTACAACCT[T>C]GTATTAAAAATGAAAGCAATAATAAAAGGGAAGCATTTTCATCATTTTGTAACTTTTCCT-3'